The following is an entry in ClinVar:

NM_000455.5(STK11):c.463G>A (p.Gly155Arg)

Gene: STK11 (serine/threonine kinase 11; plus strand). Cytogenetic location: 19p13.3.
Variant type: single nucleotide variant.
Coding change: c.463G>A on transcript NM_000455.5 (MANE Select); coding-DNA position 463, G replaced by A.
Protein change: p.Gly155Arg; replaces glycine 155 with arginine.
Molecular consequence: missense variant.
Genome position (GRCh38, 1-based): chr19:1,219,412, G>A. VCF-style: chr19-1219412-G-A. GRCh37 (hg19) VCF-style: chr19-1219411-G-A.
Other names: short protein forms G155R.
Identifiers: ClinVar variation 234791 (VCV000234791.32), dbSNP rs763353991, ClinGen allele CA047657.

ClinVar aggregate classification (germline): Conflicting classifications of pathogenicity. Review status: criteria provided, conflicting classifications (1 of 4 stars). 9 submissions from 9 submitters: Uncertain significance (8); Likely benign (1). Last evaluated 2025-11-25.

Conditions:
Hereditary cancer-predisposing syndrome. Also called: Tumor predisposition; Hereditary Cancer Syndrome; Hereditary neoplastic syndrome; Neoplastic Syndromes, Hereditary. Identifiers: Orphanet 140162, MedGen C0027672, MeSH D009386, MONDO:0015356.
Melanoma, cutaneous malignant, susceptibility to, 1 (CMM1). Also called: B-K MOLE SYNDROME; MELANOMA, MALIGNANT; DYSPLASTIC NEVUS SYNDROME, HEREDITARY; FAMILIAL ATYPICAL MOLE-MALIGNANT MELANOMA SYNDROME. Identifiers: Orphanet 618, MedGen C1835047, MONDO:0007963, OMIM 155600.
Peutz-Jeghers syndrome (PJS). Also called: POLYPOSIS, HAMARTOMATOUS INTESTINAL; POLYPS-AND-SPOTS SYNDROME; Peutz-Jeghers polyposis; Periorificial lentiginosis syndrome. Identifiers: Orphanet 2869, MedGen C0031269, MeSH D010580, MONDO:0008280, OMIM 175200.

gnomAD v4.1: 3 of 1,581,448 alleles (0.00019%); highest among the groups gnomAD compares: East Asian, 0.0023%; no homozygotes.

Submissions (9):

Color Diagnostics, LLC DBA Color Health
Classification: Uncertain significance for Hereditary cancer-predisposing syndrome. Last evaluated: 2025-11-25. Review status: criteria provided, single submitter. Criteria: ACMG Guidelines, 2015. Collection method: clinical testing. Allele origin: germline.
Comment: This missense variant replaces glycine with arginine at codon 155 of the STK11 protein. Computational prediction suggests that this variant may not impact protein structure and function. Functional studies have shown that this variant did not impact autophosphorylation activity (PMID: 34849607). This variant has been reported in individuals affected with breast cancer (PMID: 34326862). This variant has been identified in 3/1581448 chromosomes in the general population by the Genome Aggregation Database (gnomAD). The available evidence is insufficient to determine the role of this variant in disease conclusively. Therefore, this variant is classified as a Variant of Uncertain Significance.

Ambry Genetics
Classification: Uncertain significance for Hereditary cancer-predisposing syndrome. Last evaluated: 2025-10-03. Review status: criteria provided, single submitter. Criteria: Ambry Variant Classification Scheme 2023. Collection method: clinical testing. Allele origin: germline.
Comment: The p.G155R variant (also known as c.463G>A), located in coding exon 3 of the STK11 gene, results from a G to A substitution at nucleotide position 463. The glycine at codon 155 is replaced by arginine, an amino acid with dissimilar properties. This alteration demonstrated retained autophosphorylation activity in an in vitro kinase assay (Donnelly LL et al. Carcinogenesis, 2021 Dec;42:1428-1438). This amino acid position is highly conserved in available vertebrate species. In addition, the in silico prediction for this alteration is inconclusive. Based on the available evidence, the clinical significance of this variant remains unclear.

Labcorp Genetics (formerly Invitae), Labcorp
Classification: Likely benign for Peutz-Jeghers syndrome. Last evaluated: 2025-08-16. Review status: criteria provided, single submitter. Criteria: Invitae Variant Classification Sherloc (09022015). Collection method: clinical testing. Allele origin: germline.

All of Us Research Program, National Institutes of Health
Classification: Uncertain significance for Peutz-Jeghers syndrome. Last evaluated: 2024-05-14. Review status: criteria provided, single submitter. Criteria: ACMG Guidelines, 2015. Collection method: clinical testing. Allele origin: germline. Inheritance: Autosomal dominant inheritance. Observed: 2 variant alleles, 2 heterozygotes.
Comment: This missense variant replaces glycine with arginine at codon 155 of the STK11 protein. Computational prediction is inconclusive regarding the impact of this variant on protein structure and function (internally defined REVEL score threshold 0.5 < inconclusive < 0.7, PMID: 27666373). To our knowledge, functional studies have not been reported for this variant. This variant has not been reported in individuals affected with hereditary cancer in the literature. This variant has not been identified in the general population by the Genome Aggregation Database (gnomAD). The available evidence is insufficient to determine the role of this variant in disease conclusively. Therefore, this variant is classified as a Variant of Uncertain Significance.

This study involves interpretation of variants in research participants for the purpose of population health screening. Participant phenotype was not available at the time of variant classification. Additional details can be found in publication PMID: 35346344, PMCID: PMC8962531

Women's Health and Genetics/Laboratory Corporation of America, LabCorp
Classification: Uncertain significance. Last evaluated: 2024-01-29. Review status: criteria provided, single submitter. Criteria: LabCorp Variant Classification Summary - May 2015. Collection method: clinical testing. Allele origin: germline.
Comment: Variant summary: STK11 c.463G>A (p.Gly155Arg) results in a non-conservative amino acid change located in the Protein kinase domain (IPR000719) of the encoded protein sequence. Three of five in-silico tools predict a benign effect of the variant on protein function. In addition, the variant is located close to a splice-site, therefore could also affect splicing: consensus agreement among computation tools predicts no significant impact on normal splicing. However, these predictions have yet to be confirmed by functional studies. The variant allele was found at a frequency of 2.1e-06 in 1424252 control chromosomes (gnomAD v4). c.463G>A has been reported in the literature in individuals affected with a personal and/or family history of (unspecified) cancer (Bhai_2021). These report(s) do not provide unequivocal conclusions about association of the variant with Peutz-Jeghers Syndrome. At least one publication reports experimental evidence evaluating an impact on protein function and demonstrated no damaging effect for this variant (Donnelly_2021). ClinVar contains an entry for this variant (Variation ID: 234791). Based on the evidence outlined above, the variant was classified as uncertain significance.

GeneDx
Classification: Uncertain significance. Last evaluated: 2023-10-03. Review status: criteria provided, single submitter. Criteria: GeneDx Variant Classification Process June 2021. Collection method: clinical testing. Allele origin: germline. Affected: yes.
Comment: Not observed at significant frequency in large population cohorts (gnomAD); In silico analysis supports that this missense variant does not alter protein structure/function; Observed in individuals with a personal and family history of breast cancer (Bhai et al., 2021); Published functional studies demonstrate no damaging effect (Donnelly et al., 2021); This variant is associated with the following publications: (PMID: 15863673, 34326862, 34849607)

Baylor Genetics
Classification: Uncertain significance for Melanoma, cutaneous malignant, susceptibility to, 1. Last evaluated: 2023-08-18. Review status: criteria provided, single submitter. Criteria: ACMG Guidelines, 2015. Collection method: clinical testing. Allele origin: unknown.

Genome-Nilou Lab
Classification: Uncertain significance for Peutz-Jeghers syndrome. Last evaluated: 2021-07-15. Review status: criteria provided, single submitter. Criteria: ACMG Guidelines, 2015. Collection method: clinical testing. Allele origin: germline. Affected: no.

Neuberg Centre For Genomic Medicine, NCGM
Classification: Uncertain significance for Peutz-Jeghers syndrome. Review status: criteria provided, single submitter. Criteria: ACMG Guidelines, 2015. Collection method: clinical testing. Allele origin: germline. Inheritance: Autosomal dominant inheritance. Affected: yes.
Comment: The missense variant p.G155R in STK11 (NM_000455.5) has not been reported previously as a pathogenic variant nor as a benign variant, to our knowledge. is novel (not in any individuals) in gnomAD ExomesThe p.G155R variant is novel (not in any individuals) in 1000 Genomes. There is a moderate physicochemical difference between glycine and arginine. The p.G155R missense variant is predicted to be damaging by both SIFT and PolyPhen2. The glycine residue at codon 155 of STK11 is conserved in all mammalian species. The nucleotide c.463 in STK11 is predicted conserved by GERP++ and PhyloP across 100 vertebrates. For these reasons, this variant has been classified as Uncertain Significance.

Literature cited by the submitters: PubMed 34326862 (cited by Color Diagnostics, LLC DBA Color Health and Women's Health and Genetics/Laboratory Corporation of America, LabCorp); PubMed 34849607 (cited by 3 submitters).